The following is an entry in ClinVar:

ClinVar aggregate classification (germline): Conflicting classifications of pathogenicity. Review status: criteria provided, conflicting classifications (1 of 4 stars). 2 submissions from 2 submitters: Pathogenic (1); Likely benign (1). Last evaluated 2026-02-01.

Allele frequency attached by ClinVar (database versions not stated): gnomAD 0.00006; ExAC 0.00007; TOPMed 0.00008; ESP Exome Variant Server 0.00028.
gnomAD v4.1: 130 of 1,210,283 alleles (0.011%); highest among the groups gnomAD compares: Admixed American, 0.017%; no homozygotes.

Submissions (3):

CeGaT Center for Human Genetics Tuebingen
Classification: Likely benign. Last evaluated: 2026-02-01. Review status: criteria provided, single submitter. Criteria: CeGaT Center For Human Genetics Tuebingen Variant Classification Criteria Version 2. Collection method: clinical testing. Allele origin: germline. Affected: yes. Observed: 1 variant allele.
Comment: ELF4: BP4, BS2

Lupski Lab, Baylor-Hopkins CMG, Baylor College of Medicine
Classification: Pathogenic. Last evaluated: 2022-11-07. Review status: criteria provided, single submitter. Criteria: ACMG Guidelines, 2015. Collection method: research. Allele origin: maternal. Inheritance: X-linked inheritance. Affected: yes. Observed: 2 variant alleles, 2 hemizygotes. Clinical features observed: Recurrent viral infections (HP:0004429), Decreased circulating immunoglobulin concentration (HP:0004313), Recurrent lower respiratory tract infections (HP:0002783), Recurrent otitis media (HP:0000403), Severe varicella zoster infection (HP:0032170).
Comment: This variant was identified in 2 unrelated males affected with NK cell deficiency. Functional studies demonstrate that the variant disrupts ELF4 protein interactions and DNA binding, reducing transcriptional activation of target genes and selectively impairing ELF4 function. Corroborating previous murine models of ELF4 deficiency (Elf4–/–) and using a knockdown human NK cell line, we determined that ELF4 is necessary for normal NK cell development, terminal maturation, and function.

Dr. Peter K. Rogan Lab, Western University
No classification provided (evidence only). Condition: Acute myeloid leukemia. Review status: no classification provided. Collection method: in vitro. Allele origin: not applicable. Functional consequence: retained intron. Not counted in ClinVar's aggregate classification.

NM_001421.4(ELF4):c.560C>A (p.Thr187Asn)

Gene: ELF4 (E74 like ETS transcription factor 4; minus strand). Cytogenetic location: Xq26.1.
Variant type: single nucleotide variant.
Coding change: c.560C>A on transcript NM_001421.4 (MANE Select); coding-DNA position 560, C replaced by A.
Protein change: p.Thr187Asn; replaces threonine 187 with asparagine.
Molecular consequence: missense variant.
Genome position (GRCh38, 1-based): chrX:130,071,392, G>T on the plus strand (C>A on the coding strand, the complement: ELF4 is on the minus strand). VCF-style: chrX-130071392-G-T. GRCh37 (hg19) VCF-style: chrX-129205367-G-T.
Other names: NC_000023.10:g.129205367G>T; c.560C>A, p.Thr187Asn (NM_001127197.2); short protein forms T187N.
Identifiers: ClinVar variation 1723455 (VCV001723455.8), dbSNP rs137884184, ClinGen allele CA10515079.